The following is an entry in ClinVar:

NM_001042432.2(CLN3):c.419T>C (p.Val140Ala)

Gene: CLN3 (CLN3 lysosomal/endosomal transmembrane protein, battenin; minus strand). Cytogenetic location: 16p12.1.
Variant type: single nucleotide variant.
Coding change: c.419T>C on transcript NM_001042432.2 (MANE Select); coding-DNA position 419, T replaced by C.
Protein change: p.Val140Ala; replaces valine 140 with alanine.
Molecular consequence: missense variant.
Genome position (GRCh38, 1-based): chr16:28,487,497, A>G on the plus strand (T>C on the coding strand, the complement: CLN3 is on the minus strand). VCF-style: chr16-28487497-A-G. GRCh37 (hg19) VCF-style: chr16-28498818-A-G.
Other names: c.419T>C, p.Val140Ala (NM_000086.2); c.347T>C, p.Val116Ala (NM_001286104.2); c.119T>C, p.Val40Ala (NM_001286105.2); c.185T>C, p.Val62Ala (NM_001286109.2); c.257T>C, p.Val86Ala (NM_001286110.2); short protein forms V116A, V86A, V40A, V62A, V140A.
Identifiers: ClinVar variation 2084601 (VCV002084601.4), dbSNP rs2141714417, ClinGen allele CA395345879.

ClinVar aggregate classification (germline): Uncertain significance (1 of 4 stars; one submission).

Conditions:
Neuronal ceroid lipofuscinosis. Also called: Neuronal Ceroid Lipofuscinoses. Identifiers: Orphanet 216, Orphanet 79263, MedGen C0027877, MONDO:0016295. Disease mechanism: loss of function.

Submission:

Labcorp Genetics (formerly Invitae), Labcorp
Classification: Uncertain significance for Neuronal ceroid lipofuscinosis. Last evaluated: 2024-02-17. Review status: criteria provided, single submitter. Criteria: Invitae Variant Classification Sherloc (09022015). Collection method: clinical testing. Allele origin: germline.
Comment: This sequence change replaces valine, which is neutral and non-polar, with alanine, which is neutral and non-polar, at codon 140 of the CLN3 protein (p.Val140Ala). This variant is not present in population databases (gnomAD no frequency). This variant has not been reported in the literature in individuals affected with CLN3-related conditions. ClinVar contains an entry for this variant (Variation ID: 2084601). Advanced modeling of protein sequence and biophysical properties (such as structural, functional, and spatial information, amino acid conservation, physicochemical variation, residue mobility, and thermodynamic stability) performed at Invitae indicates that this missense variant is not expected to disrupt CLN3 protein function with a negative predictive value of 80%. In summary, the available evidence is currently insufficient to determine the role of this variant in disease. Therefore, it has been classified as a Variant of Uncertain Significance.